The following is an entry in ClinVar:

NM_032977.4(CASP10):c.721+3A>G

Gene: CASP10 (caspase 10; plus strand). Cytogenetic location: 2q33.1.
Variant type: single nucleotide variant.
Coding change: c.721+3A>G on transcript NM_032977.4 (MANE Select); 3 bases into the intron after coding-DNA position 721, A replaced by G.
Molecular consequence: intron variant.
Genome position (GRCh38, 1-based): chr2:201,203,769, A>G. VCF-style: chr2-201203769-A-G. GRCh37 (hg19) VCF-style: chr2-202068492-A-G.
Other names: c.721+3A>G (NM_032974.5, NM_032976.4, NM_001206524.2); c.685-4306A>G (NM_001206542.2, NM_001230.5).
Identifiers: ClinVar variation 2925019 (VCV002925019.3), dbSNP rs1368112921, ClinGen allele CA538941336.

ClinVar aggregate classification (germline): Uncertain significance (1 of 4 stars; one submission).

Conditions:
Autoimmune lymphoproliferative syndrome type 2A (ALPS2A). Also called: AUTOIMMUNE LYMPHOPROLIFERATIVE SYNDROME, TYPE IIA; CASP10-Related Autoimmune Lymphoproliferative Syndrome; Autoimmune lymphoproliferative syndrome type 2. Identifiers: Orphanet 3261, MedGen C1858968, MONDO:0011383, OMIM 603909.

Allele frequency attached by ClinVar (database versions not stated): gnomAD exomes below 0.00001.

Submission:

Labcorp Genetics (formerly Invitae), Labcorp
Classification: Uncertain significance for Autoimmune lymphoproliferative syndrome type 2A. Last evaluated: 2024-01-29. Review status: criteria provided, single submitter. Criteria: Invitae Variant Classification Sherloc (09022015). Collection method: clinical testing. Allele origin: germline.
Comment: This sequence change falls in intron 6 of the CASP10 gene. It does not directly change the encoded amino acid sequence of the CASP10 protein. It affects a nucleotide within the consensus splice site. This variant is present in population databases (no rsID available, gnomAD 0.007%). This variant has not been reported in the literature in individuals affected with CASP10-related conditions. Variants that disrupt the consensus splice site are a relatively common cause of aberrant splicing (PMID: 17576681, 9536098). Algorithms developed to predict the effect of sequence changes on RNA splicing suggest that this variant may disrupt the consensus splice site. In summary, the available evidence is currently insufficient to determine the role of this variant in disease. Therefore, it has been classified as a Variant of Uncertain Significance.

Literature cited by the submitters: PubMed 17576681; PubMed 9536098.